The following is an entry in ClinVar:

NM_005883.3(APC2):c.2564A>C (p.Asp855Ala)

Gene: APC2 (APC regulator of WNT signaling pathway 2; plus strand). Cytogenetic location: 19p13.3.
Variant type: single nucleotide variant.
Coding change: c.2564A>C on transcript NM_005883.3 (MANE Select); coding-DNA position 2564, A replaced by C.
Protein change: p.Asp855Ala; replaces aspartic acid 855 with alanine.
Molecular consequence: missense variant.
Genome position (GRCh38, 1-based): chr19:1,465,865, A>C. VCF-style: chr19-1465865-A-C. GRCh37 (hg19) VCF-style: chr19-1465864-A-C.
Other names: c.2561A>C, p.Asp854Ala (NM_001351273.1); short protein forms D854A, D855A.
Identifiers: ClinVar variation 3370825 (VCV003370825.1).

ClinVar aggregate classification (germline): Uncertain significance (1 of 4 stars; one submission).

Submission:

GeneDx
Classification: Uncertain significance. Last evaluated: 2024-03-11. Review status: criteria provided, single submitter. Criteria: GeneDx Variant Classification Process June 2021. Collection method: clinical testing. Allele origin: germline. Affected: yes.
Comment: Not observed at significant frequency in large population cohorts (gnomAD); In silico analysis supports that this missense variant has a deleterious effect on protein structure/function; Has not been previously published as pathogenic or benign to our knowledge